The following is an entry in ClinVar:

ClinVar aggregate classification (germline): Uncertain significance (1 of 4 stars; one submission).

Conditions:
FUS-related disorder. Also called: FUS-related condition.

Allele frequency attached by ClinVar (database versions not stated): ExAC 0.00001.
gnomAD v4.1: 2 of 1,614,068 alleles (0.00012%); highest among the groups gnomAD compares: Non-Finnish European, 0.00017%; no homozygotes.

Submission:

PreventionGenetics, part of Exact Sciences
Classification: Uncertain significance for FUS-related condition. Last evaluated: 2022-10-03. Review status: criteria provided, single submitter. Criteria: ACMG Guidelines, 2015. Collection method: clinical testing. Allele origin: germline.
Comment: The FUS c.41A>G variant is predicted to result in the amino acid substitution p.Tyr14Cys. To our knowledge, this variant has not been reported in the literature. This variant is reported in 0.0062% of alleles in individuals of African descent in gnomAD. At this time, the clinical significance of this variant is uncertain due to the absence of conclusive functional and genetic evidence.

NM_004960.4(FUS):c.41A>G (p.Tyr14Cys)

Gene: FUS (FUS RNA binding protein; plus strand). Cytogenetic location: 16p11.2.
Variant type: single nucleotide variant.
Coding change: c.41A>G on transcript NM_004960.4 (MANE Select); coding-DNA position 41, A replaced by G.
Protein change: p.Tyr14Cys; replaces tyrosine 14 with cysteine.
Molecular consequence: missense variant. On other transcripts: non-coding transcript variant (1).
Genome position (GRCh38, 1-based): chr16:31,182,515, A>G. VCF-style: chr16-31182515-A-G. GRCh37 (hg19) VCF-style: chr16-31193836-A-G.
Other names: c.41A>G, p.Tyr14Cys (NM_001170634.1, NM_001170937.1); short protein forms Y14C.
Identifiers: ClinVar variation 2628761 (VCV002628761.1), dbSNP rs758073877, ClinGen allele CA8023435.
Genomic context (GRCh38, chr16:31,182,515, plus strand): 5'-AGAGGGCAAGGGTGGTCACGCCATGTTTTCTGATCACGCTGGTTTTCCTTTTATTTAGCT[A>G]TGGGGCCTACCCCACCCAGCCCGGGCAGGGCTATTCCCAGCAGAGCAGTCAGCCCTACGG-3'
Protein context (NP_004951.1, residues 4-24): NDYTQQATQS[Tyr14Cys]GAYPTQPGQG